The following is an entry in ClinVar:

NM_000092.5(COL4A4):c.1100-1G>T

Gene: COL4A4 (collagen type IV alpha 4 chain; minus strand). Cytogenetic location: 2q36.3.
Variant type: single nucleotide variant.
Coding change: c.1100-1G>T on transcript NM_000092.5 (MANE Select); the canonical splice acceptor site of the intron before coding-DNA position 1100, G replaced by T.
Molecular consequence: splice acceptor variant.
Genome position (GRCh38, 1-based): chr2:227,098,799, C>A on the plus strand (G>T on the coding strand, the complement: COL4A4 is on the minus strand). VCF-style: chr2-227098799-C-A. GRCh37 (hg19) VCF-style: chr2-227963515-C-A.
Identifiers: ClinVar variation 4817285 (VCV004817285.1).

ClinVar aggregate classification (germline): Likely pathogenic (1 of 4 stars; one submission).

Conditions:
Alport syndrome. Also called: Hemorrhagic familial nephritis; Hemorrhagic hereditary nephritis; Congenital hereditary hematuria. Identifiers: Orphanet 63, MedGen C1567741, MONDO:0018965.

Submission:

Natera, Inc.
Classification: Likely pathogenic for Alport syndrome. Last evaluated: 2024-12-05. Review status: criteria provided, single submitter. Criteria: Natera Variant Classification Schema (03/2026). Collection method: clinical testing. Allele origin: germline.
Comment: The c.1100-1G>T variant in COL4A4 is a canonical splice acceptor site variant predicted to affect pre-mRNA splicing, which may result in an abnormal transcript and altered protein product. This variant is expected to result in nonsense mediated decay, truncation, or a dysfunctional protein product. This variant is rare in the general population with a frequency below the threshold expected for the associated phenotype(s). Given the available evidence, this variant is classified as Likely Pathogenic.